The following is an entry in ClinVar:

NM_001323289.2(CDKL5):c.272A>G (p.Tyr91Cys)

Gene: CDKL5 (cyclin dependent kinase like 5; plus strand). Cytogenetic location: Xp22.13.
Variant type: single nucleotide variant.
Coding change: c.272A>G on transcript NM_001323289.2 (MANE Select); coding-DNA position 272, A replaced by G.
Protein change: p.Tyr91Cys; replaces tyrosine 91 with cysteine.
Molecular consequence: missense variant.
Genome position (GRCh38, 1-based): chrX:18,575,480, A>G. VCF-style: chrX-18575480-A-G. GRCh37 (hg19) VCF-style: chrX-18593600-A-G.
Other names: c.272A>G, p.Tyr91Cys (NM_001037343.2, NM_003159.3); c.272A>G (NM_003159.2); short protein forms Y91C.
Identifiers: ClinVar variation 425481 (VCV000425481.44), dbSNP rs1064797360, ClinGen allele CA16621883.
Genomic context (GRCh38, chrX:18,575,480, plus strand): 5'-ACATTGTGGAGTTGAAGGAAGCATTTCGTCGGAGGGGAAAGTTGTACTTGGTGTTTGAGT[A>G]TGTTGAAAAAGTAAGTCATTAATTGCCAATGTGCACATTTGCCCGATTCTTTTATTTAAG-3'
Protein context (NP_001310218.1, residues 81-101): RRGKLYLVFE[Tyr91Cys]VEKNMLELLE

ClinVar aggregate classification (germline): Conflicting classifications of pathogenicity. Review status: criteria provided, conflicting classifications (1 of 4 stars). 2 submissions from 2 submitters: Pathogenic (1); Uncertain significance (1). Last evaluated 2024-10-18.

Submissions (2):

GeneDx
Classification: Pathogenic. Last evaluated: 2024-10-18. Review status: criteria provided, single submitter. Criteria: GeneDx Variant Classification Process June 2021. Collection method: clinical testing. Allele origin: germline. Affected: yes.
Comment: Not observed at significant frequency in large population cohorts (gnomAD); In silico analysis supports that this missense variant has a deleterious effect on protein structure/function; This variant is associated with the following publications: (PMID: 32336485)

CeGaT Center for Human Genetics Tuebingen
Classification: Uncertain significance. Last evaluated: 2016-10-01. Review status: criteria provided, single submitter. Criteria: CeGaT Center For Human Genetics Tuebingen Variant Classification Criteria Version 2. Collection method: clinical testing. Allele origin: germline. Affected: yes. Observed: 1 variant allele.